The following is an entry in ClinVar:

ClinVar aggregate classification (germline): Benign/Likely benign. Review status: criteria provided, multiple submitters, no conflicts (2 of 4 stars). 7 submissions from 7 submitters: Benign (1); Likely benign (5). 1 of the submissions does not count toward it. Last evaluated 2025-12-23.

Conditions:
Inborn genetic diseases. Identifiers: MedGen C0950123, MeSH D030342.
INF2-related disorder. Also called: INF2-related condition.
Charcot-Marie-Tooth disease dominant intermediate E. Also called: CHARCOT-MARIE-TOOTH NEUROPATHY WITH FOCAL SEGMENTAL GLOMERULONEPHRITIS. Identifiers: Orphanet 93114, MedGen C4302667, MONDO:0013758, OMIM 614455.
Focal segmental glomerulosclerosis 5 (FSGS5). Identifiers: Orphanet 656, MedGen C2750475, MONDO:0013191, OMIM 613237.

Allele frequency attached by ClinVar (database versions not stated): gnomAD exomes 0.00003 and 0.00006; ExAC 0.00005; ESP Exome Variant Server 0.00008; 1000 Genomes Project 30x 0.00031; TOPMed 0.00032; gnomAD 0.00036 and 0.00038; 1000 Genomes Project 0.00040.
gnomAD v4.1: 104 of 1,612,508 alleles (0.0064%); highest among the groups gnomAD compares: African/African-American, 0.12%; no homozygotes.

Submissions (7):

Labcorp Genetics (formerly Invitae), Labcorp
Classification: Benign for Charcot-Marie-Tooth disease dominant intermediate E; Focal segmental glomerulosclerosis 5. Last evaluated: 2025-12-23. Review status: criteria provided, single submitter. Criteria: Invitae Variant Classification Sherloc (09022015). Collection method: clinical testing. Allele origin: germline.

CeGaT Center for Human Genetics Tuebingen
Classification: Likely benign. Last evaluated: 2025-10-01. Review status: criteria provided, single submitter. Criteria: CeGaT Center For Human Genetics Tuebingen Variant Classification Criteria Version 2. Collection method: clinical testing. Allele origin: germline. Affected: yes. Observed: 1 variant allele.
Comment: INF2: BP4, BP7

Mayo Clinic Laboratories, Mayo Clinic
Classification: Likely benign. Last evaluated: 2025-03-24. Review status: criteria provided, single submitter. Criteria: ACMG Guidelines, 2015. Collection method: clinical testing. Allele origin: germline. Observed: 1 variant allele.
Comment: BS2, BP4, BP7

Fulgent Genetics
Classification: Likely benign for Focal segmental glomerulosclerosis 5; Charcot-Marie-Tooth disease dominant intermediate E. Last evaluated: 2021-07-16. Review status: criteria provided, single submitter. Criteria: ACMG Guidelines, 2015. Collection method: clinical testing. Allele origin: unknown.

Ambry Genetics
Classification: Likely benign for Inborn genetic diseases. Last evaluated: 2019-07-11. Review status: criteria provided, single submitter. Criteria: Ambry Variant Classification Scheme 2023. Collection method: clinical testing. Allele origin: germline.

GeneDx
Classification: Likely benign. Last evaluated: 2017-04-04. Review status: criteria provided, single submitter. Criteria: GeneDx Variant Classification (06012015). Collection method: clinical testing. Allele origin: germline. Affected: yes.
Comment: This variant is considered likely benign or benign based on one or more of the following criteria: it is a conservative change, it occurs at a poorly conserved position in the protein, it is predicted to be benign by multiple in silico algorithms, and/or has population frequency not consistent with disease.

PreventionGenetics, part of Exact Sciences
Classification: Likely benign for INF2-related condition. Last evaluated: 2019-05-28. Review status: no assertion criteria provided. Collection method: clinical testing. Allele origin: germline. Not counted in ClinVar's aggregate classification.
Comment: This variant is classified as likely benign based on ACMG/AMP sequence variant interpretation guidelines (Richards et al. 2015 PMID: 25741868, with internal and published modifications).

NM_022489.4(INF2):c.1773C>T (p.Asp591=)

Gene: INF2 (inverted formin 2; plus strand). Cytogenetic location: 14q32.33.
Variant type: single nucleotide variant.
Coding change: c.1773C>T on transcript NM_022489.4 (MANE Select); coding-DNA position 1773, C replaced by T.
Protein change: p.Asp591=; no amino-acid change (aspartic acid 591 retained).
Molecular consequence: synonymous variant.
Genome position (GRCh38, 1-based): chr14:104,708,473, C>T. VCF-style: chr14-104708473-C-T. GRCh37 (hg19) VCF-style: chr14-105174810-C-T.
Other names: p.Asp591=; c.1773C>T, p.Asp591= (NM_001031714.4).
Identifiers: ClinVar variation 517839 (VCV000517839.24), dbSNP rs201853087, ClinGen allele CA7372668.